The following is an entry in ClinVar:

NM_000238.4(KCNH2):c.2044G>T (p.Glu682Ter)

Gene: KCNH2 (potassium voltage-gated channel subfamily H member 2; minus strand). Cytogenetic location: 7q36.1.
Variant type: single nucleotide variant.
Coding change: c.2044G>T on transcript NM_000238.4 (MANE Select); coding-DNA position 2044, G replaced by T.
Protein change: p.Glu682Ter; replaces glutamic acid 682 with a stop codon.
Molecular consequence: nonsense. On other transcripts: non-coding transcript variant (2).
Genome position (GRCh38, 1-based): chr7:150,951,022, C>A on the plus strand (G>T on the coding strand, the complement: KCNH2 is on the minus strand). VCF-style: chr7-150951022-C-A. GRCh37 (hg19) VCF-style: chr7-150648110-C-A.
Other names: c.1024G>T, p.Glu342Ter (NM_001204798.2, NM_172057.3); c.1756G>T, p.Glu586Ter (NM_001406753.1, NM_001406756.1); c.1867G>T, p.Glu623Ter (NM_001406755.1); c.1744G>T, p.Glu582Ter (NM_001406757.1); c.2044G>T, p.Glu682Ter (NM_172056.3); short protein forms E682*, E623*, E342*, E582*, E586*.
Identifiers: ClinVar variation 4709557 (VCV004709557.1).

ClinVar aggregate classification (germline): Pathogenic (1 of 4 stars; one submission).

Conditions:
Long QT syndrome (LQTS). Identifiers: MedGen C0023976, MeSH D008133, MONDO:0002442. Disease mechanism: loss of function. Inheritance: Various modes of inheritance.

Submission:

Labcorp Genetics (formerly Invitae), Labcorp
Classification: Pathogenic for Long QT syndrome. Last evaluated: 2026-01-13. Review status: criteria provided, single submitter. Criteria: Invitae Variant Classification Sherloc (09022015). Collection method: clinical testing. Allele origin: germline.
Comment: This sequence change creates a premature translational stop signal (p.Glu682*) in the KCNH2 gene. It is expected to result in an absent or disrupted protein product. Loss-of-function variants in KCNH2 are known to be pathogenic (PMID: 10973849, 19862833). This variant is not present in population databases (gnomAD no frequency). This premature translational stop signal has been observed in individual(s) with long QT Syndrome (PMID: 10973849). For these reasons, this variant has been classified as Pathogenic.

Literature cited by the submitters: PubMed 10973849; PubMed 19862833.